The following is an entry in ClinVar:

ClinVar aggregate classification (germline): Uncertain significance. Review status: criteria provided, multiple submitters, no conflicts (2 of 4 stars). 2 submissions from 2 submitters: Uncertain significance (2). Last evaluated 2022-12-06.

Conditions:
Ataxia-telangiectasia syndrome (AT). Also called: Cerebello-oculocutaneous telangiectasia; Immunodeficiency with ataxia telangiectasia; Ataxia-telangiectasia, complementation group E; Ataxia-telangiectasia, complementation group D; AT, COMPLEMENTATION GROUP C; ATAXIA-TELANGIECTASIA, COMPLEMENTATION GROUP A. Identifiers: Orphanet 100, MedGen C0004135, MONDO:0008840, OMIM 208900.
Hereditary cancer-predisposing syndrome. Also called: Hereditary Cancer Syndrome; Neoplastic Syndromes, Hereditary; Hereditary neoplastic syndrome; Tumor predisposition. Identifiers: Orphanet 140162, MedGen C0027672, MeSH D009386, MONDO:0015356.

Allele frequency attached by ClinVar (database versions not stated): gnomAD exomes below 0.00001.
gnomAD v4.1: 2 of 1,614,004 alleles (0.00012%); highest among the groups gnomAD compares: Non-Finnish European, 0.00017%; no homozygotes.

Submissions (2):

Labcorp Genetics (formerly Invitae), Labcorp
Classification: Uncertain significance for Ataxia-telangiectasia syndrome. Last evaluated: 2022-12-06. Review status: criteria provided, single submitter. Criteria: Invitae Variant Classification Sherloc (09022015). Collection method: clinical testing. Allele origin: germline.
Comment: Algorithms developed to predict the effect of missense changes on protein structure and function (SIFT, PolyPhen-2, Align-GVGD) all suggest that this variant is likely to be tolerated. In summary, the available evidence is currently insufficient to determine the role of this variant in disease. Therefore, it has been classified as a Variant of Uncertain Significance. This sequence change replaces serine, which is neutral and polar, with leucine, which is neutral and non-polar, at codon 689 of the ATM protein (p.Ser689Leu). This variant is not present in population databases (gnomAD no frequency). This variant has not been reported in the literature in individuals affected with ATM-related conditions. ClinVar contains an entry for this variant (Variation ID: 820602).

Ambry Genetics
Classification: Uncertain significance for Hereditary cancer-predisposing syndrome. Last evaluated: 2019-10-01. Review status: criteria provided, single submitter. Criteria: Ambry Variant Classification Scheme 2023. Collection method: clinical testing. Allele origin: germline.
Comment: The p.S689L variant (also known as c.2066C>T), located in coding exon 12 of the ATM gene, results from a C to T substitution at nucleotide position 2066. The serine at codon 689 is replaced by leucine, an amino acid with dissimilar properties. This amino acid position is not well conserved in available vertebrate species. In addition, this alteration is predicted to be tolerated by in silico analysis. Since supporting evidence is limited at this time, the clinical significance of this alteration remains unclear.

NM_000051.4(ATM):c.2066C>T (p.Ser689Leu)

Gene: ATM (ATM serine/threonine kinase; plus strand). Cytogenetic location: 11q22.3.
Variant type: single nucleotide variant.
Coding change: c.2066C>T on transcript NM_000051.4 (MANE Select); coding-DNA position 2066, C replaced by T.
Protein change: p.Ser689Leu; replaces serine 689 with leucine.
Molecular consequence: missense variant.
Genome position (GRCh38, 1-based): chr11:108,253,981, C>T. VCF-style: chr11-108253981-C-T. GRCh37 (hg19) VCF-style: chr11-108124708-C-T.
Other names: c.2066C>T, p.Ser689Leu (NM_001351834.2); short protein forms S689L.
Identifiers: ClinVar variation 820602 (VCV000820602.7), dbSNP rs1591534804, ClinGen allele CA382537506.